The following is an entry in ClinVar:

ClinVar aggregate classification (germline): Uncertain significance (1 of 4 stars; one submission).

Conditions:
Hereditary cancer-predisposing syndrome. Also called: Tumor predisposition; Hereditary Cancer Syndrome; Hereditary neoplastic syndrome; Neoplastic Syndromes, Hereditary. Identifiers: Orphanet 140162, MedGen C0027672, MeSH D009386, MONDO:0015356.

Submission:

Ambry Genetics
Classification: Uncertain significance for Hereditary cancer-predisposing syndrome. Last evaluated: 2024-05-02. Review status: criteria provided, single submitter. Criteria: Ambry Variant Classification Scheme 2023. Collection method: clinical testing. Allele origin: germline.
Comment: The p.Q233L variant (also known as c.698A>T), located in coding exon 6 of the APC gene, results from an A to T substitution at nucleotide position 698. The glutamine at codon 233 is replaced by leucine, an amino acid with dissimilar properties. This amino acid position is conserved. In addition, in silico predictors for this gene do not accurately predict pathogenicity. Based on the available evidence, the clinical significance of this variant remains unclear.

NM_000038.6(APC):c.698A>T (p.Gln233Leu)

Gene: APC (APC regulator of Wnt signaling pathway; plus strand). Cytogenetic location: 5q22.2.
Variant type: single nucleotide variant.
Coding change: c.698A>T on transcript NM_000038.6 (MANE Select); coding-DNA position 698, A replaced by T.
Protein change: p.Gln233Leu; replaces glutamine 233 with leucine.
Molecular consequence: missense variant. On other transcripts: 5 prime UTR variant (4), non-coding transcript variant (2), intron variant (5).
Genome position (GRCh38, 1-based): chr5:112,792,498, A>T. VCF-style: chr5-112792498-A-T. GRCh37 (hg19) VCF-style: chr5-112128195-A-T.
Other names: c.698A>T, p.Gln233Leu (NM_001127510.3, NM_001354895.2, NM_001354896.2 and 12 more transcripts); c.728A>T, p.Gln243Leu (NM_001354897.2, NM_001354902.2, NM_001407446.1); c.623A>T, p.Gln208Leu (NM_001354898.2, NM_001354904.2, NM_001407451.1); c.521A>T, p.Gln174Leu (NM_001354900.2, NM_001354901.2, NM_001354905.2 and 1 more transcripts); c.-338A>T (NM_001354906.2, NM_001407470.1, NM_001407471.1 and 1 more transcripts); c.646-8781A>T (NM_001407452.1, NM_001407469.1, NM_001354899.2 and 1 more transcripts); c.676-8781A>T (NM_001127511.3); short protein forms Q174L, Q233L, Q208L, Q243L.
Identifiers: ClinVar variation 3305092 (VCV003305092.1).